The following is an entry in ClinVar:

NM_000337.6(SGCD):c.546T>C (p.Asn182=)

Gene: SGCD (sarcoglycan delta; plus strand). Cytogenetic location: 5q33.3.
Variant type: single nucleotide variant.
Coding change: c.546T>C on transcript NM_000337.6 (MANE Select); coding-DNA position 546, T replaced by C.
Protein change: p.Asn182=; no amino-acid change (asparagine 182 retained).
Molecular consequence: synonymous variant.
Genome position (GRCh38, 1-based): chr5:156,647,507, T>C. VCF-style: chr5-156647507-T-C. GRCh37 (hg19) VCF-style: chr5-156074517-T-C.
Other names: c.543T>C, p.Asn181= (NM_001128209.2); c.546T>C, p.Asn182= (NM_172244.3).
Identifiers: ClinVar variation 2730695 (VCV002730695.5), dbSNP rs1357273041, ClinGen allele CA447388221.

ClinVar aggregate classification (germline): Likely benign. Review status: criteria provided, single submitter (1 of 4 stars). 2 submissions from 2 submitters: Likely benign (1). 1 of the submissions does not count toward it. Last evaluated 2023-07-24.

Conditions:
Autosomal recessive limb-girdle muscular dystrophy type 2F (LGMDR6). Also called: Muscular dystrophy limb-girdle with delta-sarcoglyan deficiency; MUSCULAR DYSTROPHY, LIMB-GIRDLE, AUTOSOMAL RECESSIVE 6. Identifiers: Orphanet 219, MedGen C1832525, MONDO:0011028, OMIM 601287. Disease mechanism: Affects gamma-sarcoglycan and also disrupts the integrity of the entire sarcoglycan complex..
SGCD-related disorder. Also called: SGCD-related condition.

Allele frequency attached by ClinVar (database versions not stated): gnomAD exomes 0.00001; gnomAD 0.00002.
gnomAD v4.1: 7 of 1,585,754 alleles (0.00044%); highest among the groups gnomAD compares: South Asian, 0.0011%; no homozygotes.

Submissions (2):

Labcorp Genetics (formerly Invitae), Labcorp
Classification: Likely benign for Autosomal recessive limb-girdle muscular dystrophy type 2F. Last evaluated: 2023-07-24. Review status: criteria provided, single submitter. Criteria: Invitae Variant Classification Sherloc (09022015). Collection method: clinical testing. Allele origin: germline.

PreventionGenetics, part of Exact Sciences
Classification: Likely benign for SGCD-related condition. Last evaluated: 2023-05-30. Review status: no assertion criteria provided. Collection method: clinical testing. Allele origin: germline. Not counted in ClinVar's aggregate classification.
Comment: This variant is classified as likely benign based on ACMG/AMP sequence variant interpretation guidelines (Richards et al. 2015 PMID: 25741868, with internal and published modifications).